The following is an entry in ClinVar:

ClinVar aggregate classification (germline): Pathogenic (1 of 4 stars; one submission).

Conditions:
Syndromic multisystem autoimmune disease due to ITCH deficiency. Also called: AUTOIMMUNE DISEASE, MULTISYSTEM, WITH FACIAL DYSMORPHISM. Identifiers: Orphanet 228426, MedGen C3150649, MONDO:0013245, OMIM 613385.

Submission:

Labcorp Genetics (formerly Invitae), Labcorp
Classification: Pathogenic for Syndromic multisystem autoimmune disease due to ITCH deficiency. Last evaluated: 2023-03-03. Review status: criteria provided, single submitter. Criteria: Invitae Variant Classification Sherloc (09022015). Collection method: clinical testing. Allele origin: germline.
Comment: For these reasons, this variant has been classified as Pathogenic. Algorithms developed to predict the effect of sequence changes on RNA splicing suggest that this variant may create or strengthen a splice site. This variant has not been reported in the literature in individuals affected with ITCH-related conditions. This variant is not present in population databases (gnomAD no frequency). This sequence change creates a premature translational stop signal (p.Trp555*) in the ITCH gene. It is expected to result in an absent or disrupted protein product. Loss-of-function variants in ITCH are known to be pathogenic (PMID: 20170897).

Literature cited by the submitters: PubMed 20170897.

NM_031483.7(ITCH):c.1664G>A (p.Trp555Ter)

Gene: ITCH (itchy E3 ubiquitin protein ligase; plus strand). Cytogenetic location: 20q11.22.
Variant type: single nucleotide variant.
Coding change: c.1664G>A on transcript NM_031483.7 (MANE Select); coding-DNA position 1664, G replaced by A.
Protein change: p.Trp555Ter; replaces tryptophan 555 with a stop codon.
Molecular consequence: nonsense.
Genome position (GRCh38, 1-based): chr20:34,479,635, G>A. VCF-style: chr20-34479635-G-A. GRCh37 (hg19) VCF-style: chr20-33067440-G-A.
Other names: c.1787G>A, p.Trp596Ter (NM_001257137.3, NM_001324197.2); c.1334G>A, p.Trp445Ter (NM_001257138.3); c.1664G>A, p.Trp555Ter (NM_001324198.2); short protein forms W445*, W555*, W596*.
Identifiers: ClinVar variation 2842542 (VCV002842542.3), dbSNP rs2515866863, ClinGen allele CA408669289.